The following is an entry in ClinVar:

NM_001267550.2(TTN):c.63794-5T>A

Genes: TTN-AS1 (TTN antisense RNA 1; plus strand), TTN (titin; minus strand). Cytogenetic location: 2q31.2.
Variant type: single nucleotide variant.
Coding change: c.63794-5T>A on transcript NM_001267550.2 (MANE Select); 5 bases into the intron before coding-DNA position 63794, T replaced by A.
Molecular consequence: intron variant.
Genome position (GRCh38, 1-based): chr2:178,587,422, A>T on the plus strand (T>A on the coding strand, the complement: TTN is on the minus strand). VCF-style: chr2-178587422-A-T. GRCh37 (hg19) VCF-style: chr2-179452149-A-T.
Other names: c.36599-5T>A (NM_003319.4); c.37175-5T>A (NM_133437.4); c.36974-5T>A (NM_133432.3); c.56090-5T>A (NM_133378.4); c.58871-5T>A (NM_001256850.1).
Identifiers: ClinVar variation 1120427 (VCV001120427.13), dbSNP rs767131398, ClinGen allele CA538435518.

ClinVar aggregate classification (germline): Conflicting classifications of pathogenicity. Review status: criteria provided, conflicting classifications (1 of 4 stars). 3 submissions from 3 submitters: Uncertain significance (2); Likely benign (1). Last evaluated 2025-12-16.

Conditions:
Cardiovascular phenotype. Identifiers: MedGen CN230736.
Autosomal recessive limb-girdle muscular dystrophy type 2J (LGMDR10). Also called: MUSCULAR DYSTROPHY, LIMB-GIRDLE, AUTOSOMAL RECESSIVE 10; Limb-girdle muscular dystrophy, type 2J. Identifiers: Orphanet 140922, MedGen C1837342, MONDO:0012127, OMIM 608807.
Dilated cardiomyopathy 1G (CMD1G). Identifiers: Orphanet 154, MedGen C1858763, MONDO:0011400, OMIM 604145.

Allele frequency attached by ClinVar (database versions not stated): TOPMed below 0.00001.
gnomAD v4.1: 14 of 1,604,734 alleles (0.00087%); highest among the groups gnomAD compares: Non-Finnish European, 0.0012%; no homozygotes.

Submissions (3):

Labcorp Genetics (formerly Invitae), Labcorp
Classification: Likely benign for Dilated cardiomyopathy 1G; Autosomal recessive limb-girdle muscular dystrophy type 2J. Last evaluated: 2025-12-16. Review status: criteria provided, single submitter. Criteria: Invitae Variant Classification Sherloc (09022015). Collection method: clinical testing. Allele origin: germline.

Ambry Genetics
Classification: Uncertain significance for Cardiovascular phenotype. Last evaluated: 2024-03-22. Review status: criteria provided, single submitter. Criteria: Ambry Variant Classification Scheme 2023. Collection method: clinical testing. Allele origin: germline.
Comment: The c.36599-5T>A intronic variant results from a T to A substitution 5 nucleotides before coding exon 134 in the TTN gene. This nucleotide position is not well conserved in available vertebrate species. In silico splice site analysis predicts that this alteration may result in the creation or strengthening of a novel splice acceptor site. Based on the available evidence, the clinical significance of this alteration remains unclear.

GeneDx
Classification: Uncertain significance. Last evaluated: 2023-12-14. Review status: criteria provided, single submitter. Criteria: GeneDx Variant Classification Process June 2021. Collection method: clinical testing. Allele origin: germline. Affected: yes.
Comment: Not observed at significant frequency in large population cohorts (gnomAD); In silico analysis suggests this variant may impact gene splicing; in the absence of RNA/functional studies, the actual effect of this sequence change is unknown; Has not been previously published as pathogenic or benign to our knowledge